The following is an entry in ClinVar:

NM_138927.4(SON):c.6083T>A (p.Phe2028Tyr)

Gene: SON (SON DNA and RNA binding protein; plus strand). Cytogenetic location: 21q22.11.
Variant type: single nucleotide variant.
Coding change: c.6083T>A on transcript NM_138927.4 (MANE Select); coding-DNA position 6083, T replaced by A.
Protein change: p.Phe2028Tyr; replaces phenylalanine 2028 with tyrosine.
Molecular consequence: missense variant. On other transcripts: non-coding transcript variant (1), intron variant (1).
Genome position (GRCh38, 1-based): chr21:33,555,314, T>A. VCF-style: chr21-33555314-T-A. GRCh37 (hg19) VCF-style: chr21-34927620-T-A.
Other names: c.6083T>A, p.Phe2028Tyr (NM_001291411.2, NM_032195.3); c.245-1842T>A (NM_001291412.3); short protein forms F2028Y.
Identifiers: ClinVar variation 1032943 (VCV001032943.1), dbSNP rs2085944855, ClinGen allele CA410166139.

ClinVar aggregate classification (germline): Uncertain significance (1 of 4 stars; one submission).

Conditions:
ZTTK syndrome (ZTTKS). Also called: ZTTK MULTIPLE CONGENITAL ANOMALIES-MENTAL RETARDATION SYNDROME; Zhu-Tokita-Takenouchi-Kim Syndrome. Identifiers: Orphanet 500150, MedGen C4310696, MONDO:0014936, OMIM 617140.

Submission:

Baylor Genetics
Classification: Uncertain significance for ZTTK syndrome. Last evaluated: 2018-04-05. Review status: criteria provided, single submitter. Criteria: ACMG Guidelines, 2015. Collection method: clinical testing. Allele origin: paternal. Affected: yes.
Comment: This variant was determined to be of uncertain significance according to ACMG Guidelines, 2015 [PMID:25741868].